The following is an entry in ClinVar:

ClinVar aggregate classification (germline): Uncertain significance. Review status: criteria provided, multiple submitters, no conflicts (2 of 4 stars). 3 submissions from 3 submitters: Uncertain significance (3). Last evaluated 2024-08-04.

Conditions:
Hyperparathyroidism 1 (HRPT1). Also called: HYPERPARATHYROIDISM, FAMILIAL ISOLATED PRIMARY. Identifiers: Orphanet 99879, MedGen C1840402, MONDO:0007767, OMIM 145000.
Hyperparathyroidism 2 with jaw tumors. Also called: Hyperparathyroidism-Jaw Tumor Syndrome; Hyperparathyroidism 2; HYPERPARATHYROIDISM, FAMILIAL PRIMARY, WITH MULTIPLE OSSIFYING JAW FIBROMAS; HYPERPARATHYROIDISM-JAW TUMOR SYNDROME, HEREDITARY. Identifiers: Orphanet 99880, MedGen C1704981, MONDO:0007768, OMIM 145001.
Parathyroid carcinoma (PRTC). Also called: CDC73-Related Parathyroid Carcinoma; Parathyroid gland carcinoma. Identifiers: Orphanet 143, MedGen C0687150, MONDO:0012004, OMIM 608266, HP:0006780.
Hereditary cancer-predisposing syndrome. Also called: Tumor predisposition; Hereditary neoplastic syndrome; Neoplastic Syndromes, Hereditary; Hereditary Cancer Syndrome. Identifiers: Orphanet 140162, MedGen C0027672, MeSH D009386, MONDO:0015356.

Submissions (3):

Ambry Genetics
Classification: Uncertain significance for Hereditary cancer-predisposing syndrome. Last evaluated: 2024-08-04. Review status: criteria provided, single submitter. Criteria: Ambry Variant Classification Scheme 2023. Collection method: clinical testing. Allele origin: germline.
Comment: The p.A377T variant (also known as c.1129G>A), located in coding exon 13 of the CDC73 gene, results from a G to A substitution at nucleotide position 1129. The alanine at codon 377 is replaced by threonine, an amino acid with similar properties. This amino acid position is conserved. In addition, this alteration is predicted to be deleterious by in silico analysis. Based on the available evidence, the clinical significance of this variant remains unclear.

Fulgent Genetics
Classification: Uncertain significance for Hyperparathyroidism 1; Hyperparathyroidism 2 with jaw tumors; Parathyroid carcinoma. Last evaluated: 2024-05-23. Review status: criteria provided, single submitter. Criteria: ACMG Guidelines, 2015. Collection method: clinical testing. Allele origin: germline.

Labcorp Genetics (formerly Invitae), Labcorp
Classification: Uncertain significance for Parathyroid carcinoma. Last evaluated: 2024-05-04. Review status: criteria provided, single submitter. Criteria: Invitae Variant Classification Sherloc (09022015). Collection method: clinical testing. Allele origin: germline.
Comment: This sequence change replaces alanine, which is neutral and non-polar, with threonine, which is neutral and polar, at codon 377 of the CDC73 protein (p.Ala377Thr). This variant is not present in population databases (gnomAD no frequency). This variant has not been reported in the literature in individuals affected with CDC73-related conditions. ClinVar contains an entry for this variant (Variation ID: 935909). Advanced modeling of protein sequence and biophysical properties (such as structural, functional, and spatial information, amino acid conservation, physicochemical variation, residue mobility, and thermodynamic stability) performed at Invitae indicates that this missense variant is expected to disrupt CDC73 protein function with a positive predictive value of 80%. In summary, the available evidence is currently insufficient to determine the role of this variant in disease. Therefore, it has been classified as a Variant of Uncertain Significance.

NM_024529.5(CDC73):c.1129G>A (p.Ala377Thr)

Gene: CDC73 (cell division cycle 73; plus strand). Cytogenetic location: 1q31.2.
Variant type: single nucleotide variant.
Coding change: c.1129G>A on transcript NM_024529.5 (MANE Select); coding-DNA position 1129, G replaced by A.
Protein change: p.Ala377Thr; replaces alanine 377 with threonine.
Molecular consequence: missense variant.
Genome position (GRCh38, 1-based): chr1:193,212,452, G>A. VCF-style: chr1-193212452-G-A. GRCh37 (hg19) VCF-style: chr1-193181582-G-A.
Other names: short protein forms A377T.
Identifiers: ClinVar variation 935909 (VCV000935909.10), dbSNP rs1677295843, ClinGen allele CA344077638.
Genomic context (GRCh38, chr1:193,212,452, plus strand): 5'-TCTCGAACACCCATTATCATAATTCCTGCAGCTACCACCTCTTTAATAACCATGCTTAAT[G>A]CAAAAGACCTTCTACAGGACCTGAAGTAAGTAATTTATTAAACTATCCTGTACGTAGGAT-3'
Protein context (NP_078805.3, residues 367-387): ATTSLITMLN[Ala377Thr]KDLLQDLKFV